The following is an entry in ClinVar:

NM_004006.3(DMD):c.88del (p.Ser30fs)

Gene: DMD (dystrophin; minus strand). Cytogenetic location: Xp21.1.
Variant type: Deletion.
Coding change: c.88del on transcript NM_004006.3 (MANE Select); coding-DNA position 88, one base deleted (T; older notation c.88delT).
Protein change: p.Ser30fs; shifts the reading frame from serine 30.
Molecular consequence: frameshift variant. On other transcripts: 5 prime UTR variant (1).
Genome position (GRCh38, 1-based): chrX:33,020,144, A deleted on the plus strand (T on the coding strand, the reverse complement: DMD is on the minus strand); the first of 4 consecutive A bases (chrX:33,020,144-33,020,147); deleting any one gives the same sequence. VCF-style (leftmost placement, unchanged base first): chrX-33020143-GA-G. GRCh37 (hg19) VCF-style: chrX-33038260-GA-G.
Other names: c.64del, p.Ser22fs (NM_000109.4); c.76del, p.Ser26fs (NM_004009.3); c.-282del (NM_004010.3); short protein forms S30fs, S22fs, S26fs.
Identifiers: ClinVar variation 948835 (VCV000948835.9), dbSNP rs2093885666, ClinGen allele CA1139667379.

ClinVar aggregate classification (germline): Pathogenic (1 of 4 stars; one submission).

Conditions:
Duchenne muscular dystrophy (DMD). Also called: MUSCULAR DYSTROPHY, PSEUDOHYPERTROPHIC PROGRESSIVE, DUCHENNE TYPE; Duchenne Muscular Dystrophy (DMD). Identifiers: Orphanet 98896, MedGen C0013264, MONDO:0010679, OMIM 310200.
Becker muscular dystrophy (BMD). Also called: MUSCULAR DYSTROPHY, PSEUDOHYPERTROPHIC PROGRESSIVE, BECKER TYPE; Becker Muscular Dystrophy (BMD). Identifiers: Orphanet 98895, MedGen C0917713, MONDO:0010311, OMIM 300376.
Dilated cardiomyopathy 3B (CMD3B). Also called: CMD3B: DMD-Related Dilated Cardiomyopathy; CARDIOMYOPATHY, DILATED, X-LINKED; DMD-Associated Dilated Cardiomyopathy. Identifiers: Orphanet 154, MedGen C3668940, MONDO:0010542, OMIM 302045.

Submission:

Labcorp Genetics (formerly Invitae), Labcorp
Classification: Pathogenic for Duchenne muscular dystrophy. Last evaluated: 2022-12-02. Review status: criteria provided, single submitter. Criteria: Invitae Variant Classification Sherloc (09022015). Collection method: clinical testing. Allele origin: germline.
Comment: This sequence change creates a premature translational stop signal (p.Ser30Leufs*22) in the DMD gene. It is expected to result in an absent or disrupted protein product. Loss-of-function variants in DMD are known to be pathogenic (PMID: 16770791, 25007885). This variant is not present in population databases (gnomAD no frequency). This variant has not been reported in the literature in individuals affected with DMD-related conditions. ClinVar contains an entry for this variant (Variation ID: 948835). For these reasons, this variant has been classified as Pathogenic.

Literature cited by the submitters: PubMed 16770791 (cited by Labcorp Genetics (formerly Invitae), Labcorp); PubMed 25007885 (cited by Labcorp Genetics (formerly Invitae), Labcorp).